The following is an entry in ClinVar:

NM_003320.5(TUB):c.63G>A (p.Leu21=)

Gene: TUB (TUB bipartite transcription factor; plus strand). Cytogenetic location: 11p15.4.
Variant type: single nucleotide variant.
Coding change: c.63G>A on transcript NM_003320.5; coding-DNA position 63, G replaced by A.
Protein change: p.Leu21=; no amino-acid change (leucine 21 retained).
Molecular consequence: synonymous variant. On other transcripts: intron variant (4).
Genome position (GRCh38, 1-based): chr11:8,038,936, G>A. VCF-style: chr11-8038936-G-A. GRCh37 (hg19) VCF-style: chr11-8060483-G-A.
Other names: c.56+19578G>A (NM_001440538.1, NM_001440539.1, NM_001440540.1 and 1 more transcripts).
Identifiers: ClinVar variation 1945600 (VCV001945600.5), dbSNP rs147860705, ClinGen allele CA217427786.

ClinVar aggregate classification (germline): Likely benign. Review status: criteria provided, single submitter (1 of 4 stars). 2 submissions from 2 submitters: Likely benign (1). 1 of the submissions does not count toward it. Last evaluated 2023-10-29.

Conditions:
TUB-related disorder. Also called: TUB-related condition.

Allele frequency attached by ClinVar (database versions not stated): ESP Exome Variant Server 0.00008.
gnomAD v4.1: 28 of 1,613,916 alleles (0.0017%); highest among the groups gnomAD compares: Non-Finnish European, 0.0024%; no homozygotes.

Submissions (2):

Labcorp Genetics (formerly Invitae), Labcorp
Classification: Likely benign. Last evaluated: 2023-10-29. Review status: criteria provided, single submitter. Criteria: Invitae Variant Classification Sherloc (09022015). Collection method: clinical testing. Allele origin: germline.

PreventionGenetics, part of Exact Sciences
Classification: Likely benign for TUB-related condition. Last evaluated: 2021-05-19. Review status: no assertion criteria provided. Collection method: clinical testing. Allele origin: germline. Not counted in ClinVar's aggregate classification.
Comment: This variant is classified as likely benign based on ACMG/AMP sequence variant interpretation guidelines (Richards et al. 2015 PMID: 25741868, with internal and published modifications).